The following is an entry in ClinVar:

NM_000136.3(FANCC):c.457-3C>T

Gene: FANCC (FA complementation group C; minus strand). Cytogenetic location: 9q22.32.
Variant type: single nucleotide variant.
Coding change: c.457-3C>T on transcript NM_000136.3 (MANE Select); 3 bases into the intron before coding-DNA position 457, C replaced by T.
Molecular consequence: intron variant.
Genome position (GRCh38, 1-based): chr9:95,171,146, G>A on the plus strand (C>T on the coding strand, the complement: FANCC is on the minus strand). VCF-style: chr9-95171146-G-A. GRCh37 (hg19) VCF-style: chr9-97933428-G-A.
Other names: c.457-3C>T (NM_001243743.2, NM_001243744.2).
Identifiers: ClinVar variation 3230382 (VCV003230382.3), dbSNP rs764903292, ClinGen allele CA5137726.

ClinVar aggregate classification (germline): Uncertain significance. Review status: criteria provided, multiple submitters, no conflicts (2 of 4 stars). 2 submissions from 2 submitters: Uncertain significance (2). Last evaluated 2024-10-29.

Conditions:
Hereditary cancer-predisposing syndrome. Also called: Neoplastic Syndromes, Hereditary; Tumor predisposition; Hereditary neoplastic syndrome; Hereditary Cancer Syndrome. Identifiers: Orphanet 140162, MedGen C0027672, MeSH D009386, MONDO:0015356.
Fanconi anemia (FA). Also called: Fanconi's anemia. Identifiers: Orphanet 84, MedGen C0015625, MeSH D005199, MONDO:0019391.

Allele frequency attached by ClinVar (database versions not stated): gnomAD exomes below 0.00001; ExAC 0.00002.
gnomAD v4.1: 5 of 1,611,838 alleles (0.00031%); highest among the groups gnomAD compares: South Asian, 0.0044%; no homozygotes.

Submissions (2):

Labcorp Genetics (formerly Invitae), Labcorp
Classification: Uncertain significance for Fanconi anemia. Last evaluated: 2024-10-29. Review status: criteria provided, single submitter. Criteria: Invitae Variant Classification Sherloc (09022015). Collection method: clinical testing. Allele origin: germline.
Comment: This sequence change falls in intron 5 of the FANCC gene. It does not directly change the encoded amino acid sequence of the FANCC protein. It affects a nucleotide within the consensus splice site. This variant is present in population databases (rs764903292, gnomAD 0.01%). This variant has not been reported in the literature in individuals affected with FANCC-related conditions. ClinVar contains an entry for this variant (Variation ID: 3230382). Variants that disrupt the consensus splice site are a relatively common cause of aberrant splicing (PMID: 17576681, 9536098). Algorithms developed to predict the effect of sequence changes on RNA splicing suggest that this variant is not likely to affect RNA splicing. In summary, the available evidence is currently insufficient to determine the role of this variant in disease. Therefore, it has been classified as a Variant of Uncertain Significance.

Ambry Genetics
Classification: Uncertain significance for Hereditary cancer-predisposing syndrome. Last evaluated: 2023-12-04. Review status: criteria provided, single submitter. Criteria: Ambry Variant Classification Scheme 2023. Collection method: clinical testing. Allele origin: germline.
Comment: The c.457-3C>T intronic variant results from a C to T substitution 3 nucleotides upstream from coding exon 5 in the FANCC gene. This nucleotide position is highly conserved in available vertebrate species. In silico splice site analysis for this alteration is inconclusive. Since supporting evidence is limited at this time, the clinical significance of this alteration remains unclear.

Literature cited by the submitters: PubMed 17576681 (cited by Labcorp Genetics (formerly Invitae), Labcorp); PubMed 9536098 (cited by Labcorp Genetics (formerly Invitae), Labcorp).